The following is an entry in ClinVar:

NM_000214.3(JAG1):c.1756G>A (p.Asp586Asn)

Gene: JAG1 (jagged canonical Notch ligand 1; minus strand). Cytogenetic location: 20p12.2.
Variant type: single nucleotide variant.
Coding change: c.1756G>A on transcript NM_000214.3 (MANE Select); coding-DNA position 1756, G replaced by A.
Protein change: p.Asp586Asn; replaces aspartic acid 586 with asparagine.
Molecular consequence: missense variant.
Genome position (GRCh38, 1-based): chr20:10,647,068, C>T on the plus strand (G>A on the coding strand, the complement: JAG1 is on the minus strand). VCF-style: chr20-10647068-C-T. GRCh37 (hg19) VCF-style: chr20-10627716-C-T.
Other names: short protein forms D586N.
Identifiers: ClinVar variation 858601 (VCV000858601.13), dbSNP rs762348061, ClinGen allele CA9764755.

ClinVar aggregate classification (germline): Conflicting classifications of pathogenicity. Review status: criteria provided, conflicting classifications (1 of 4 stars). 4 submissions from 4 submitters: Uncertain significance (1); Likely benign (3). Last evaluated 2025-02-16.

Conditions:
Cardiovascular phenotype. Identifiers: MedGen CN230736.
Alagille syndrome due to a JAG1 point mutation. Also called: HEPATIC DUCTULAR HYPOPLASIA, SYNDROMATIC; Alagille Syndrome 1; JAG1-Related Alagille Syndrome. Identifiers: Orphanet 261619, Orphanet 52, MedGen C1956125, MONDO:0016862, OMIM 118450.

Allele frequency attached by ClinVar (database versions not stated): gnomAD exomes below 0.00001; ExAC 0.00001; gnomAD 0.00004.
gnomAD v4.1: 25 of 1,614,106 alleles (0.0015%); highest among the groups gnomAD compares: Non-Finnish European, 0.0021%; 1 homozygote.

Submissions (4):

Laboratory of Genetics, Children's Clinical University Hospital Latvia
Classification: Likely benign. Last evaluated: 2025-02-16. Review status: criteria provided, single submitter. Criteria: ACMG Guidelines, 2015. Collection method: clinical testing. Allele origin: germline. Affected: yes.

Blueprint Genetics
Classification: Likely benign. Last evaluated: 2022-05-17. Review status: criteria provided, single submitter. Criteria: ACMG Guidelines, 2015. Collection method: clinical testing. Allele origin: germline.

Labcorp Genetics (formerly Invitae), Labcorp
Classification: Likely benign for Alagille syndrome due to a JAG1 point mutation. Last evaluated: 2022-03-19. Review status: criteria provided, single submitter. Criteria: Invitae Variant Classification Sherloc (09022015). Collection method: clinical testing. Allele origin: germline.

Ambry Genetics
Classification: Uncertain significance for Cardiovascular phenotype. Last evaluated: 2021-09-26. Review status: criteria provided, single submitter. Criteria: Ambry Variant Classification Scheme 2023. Collection method: clinical testing. Allele origin: germline.
Comment: The p.D586N variant (also known as c.1756G>A), located in coding exon 14 of the JAG1 gene, results from a G to A substitution at nucleotide position 1756. The aspartic acid at codon 586 is replaced by asparagine, an amino acid with highly similar properties. This amino acid position is conserved. In addition, this alteration is predicted to be tolerated by in silico analysis. Since supporting evidence is limited at this time, the clinical significance of this alteration remains unclear.